The following is an entry in ClinVar:

ClinVar aggregate classification (germline): Conflicting classifications of pathogenicity. Review status: criteria provided, conflicting classifications (1 of 4 stars). 2 submissions from 2 submitters: Uncertain significance (1); Likely benign (1). Last evaluated 2026-01-01.

Conditions:
Loeys-Dietz syndrome 4 (LDS4). Also called: ANEURYSM, AORTIC AND CEREBRAL, WITH ARTERIAL TORTUOSITY AND SKELETAL MANIFESTATIONS; TGFB2-Related Loeys-Dietz Syndrome. Identifiers: MedGen C3553762, MONDO:0013897, OMIM 614816.

Submissions (2):

CeGaT Center for Human Genetics Tuebingen
Classification: Uncertain significance. Last evaluated: 2026-01-01. Review status: criteria provided, single submitter. Criteria: CeGaT Center For Human Genetics Tuebingen Variant Classification Criteria Version 2. Collection method: clinical testing. Allele origin: germline. Affected: yes. Observed: 1 variant allele.
Comment: TGFB2: PM2, BP4

Labcorp Genetics (formerly Invitae), Labcorp
Classification: Likely benign for Loeys-Dietz syndrome 4. Last evaluated: 2021-12-29. Review status: criteria provided, single submitter. Criteria: Invitae Variant Classification Sherloc (09022015). Collection method: clinical testing. Allele origin: germline.

NM_003238.6(TGFB2):c.754+7A>G

Gene: TGFB2 (transforming growth factor beta 2; plus strand). Cytogenetic location: 1q41.
Variant type: single nucleotide variant.
Coding change: c.754+7A>G on transcript NM_003238.6 (MANE Select); 7 bases into the intron after coding-DNA position 754, A replaced by G.
Molecular consequence: intron variant.
Genome position (GRCh38, 1-based): chr1:218,434,455, A>G. VCF-style: chr1-218434455-A-G. GRCh37 (hg19) VCF-style: chr1-218607797-A-G.
Other names: c.838+7A>G (NM_001135599.4).
Identifiers: ClinVar variation 1938392 (VCV001938392.9), dbSNP rs2464865796, ClinGen allele CA2580062185.